The following is an entry in ClinVar:

ClinVar aggregate classification (germline): Uncertain significance (1 of 4 stars; one submission).

Submission:

GeneDx
Classification: Uncertain significance. Last evaluated: 2026-03-07. Review status: criteria provided, single submitter. Criteria: GeneDx Variant Classification Process June 2021. Collection method: clinical testing. Allele origin: germline.
Comment: Not observed at significant frequency in large population cohorts (gnomAD); Nonsense variant predicted to result in protein truncation or nonsense mediated decay in a gene or region of a gene for which loss of function is not a well-established mechanism of disease; Has not been previously published as pathogenic or benign to our knowledge

NM_001009999.3(KDM1A):c.408T>G (p.Tyr136Ter)

Gene: KDM1A (lysine demethylase 1A; plus strand). Cytogenetic location: 1p36.12.
Variant type: single nucleotide variant.
Coding change: c.408T>G on transcript NM_001009999.3 (MANE Select); coding-DNA position 408, T replaced by G.
Protein change: p.Tyr136Ter; replaces tyrosine 136 with a stop codon.
Molecular consequence: nonsense.
Genome position (GRCh38, 1-based): chr1:23,030,525, T>G. VCF-style: chr1-23030525-T-G. GRCh37 (hg19) VCF-style: chr1-23357018-T-G.
Other names: c.408T>G, p.Tyr136Ter (NM_001363654.2, NM_001410762.1, NM_001410763.1 and 1 more transcripts); short protein forms Y136*.
Identifiers: ClinVar variation 5008804 (VCV005008804.1).
Genomic context (GRCh38, chr1:23,030,525, plus strand): 5'-ATAGGTAGAGTACAGAGAGATGGATGAAAGCTTGGCCAACCTCTCAGAAGATGAGTATTA[T>G]TCAGAAGAAGAGAGAAATGCCAAAGCAGAGAAGGAAAAGAAGCTTCCCCCACCACCCCCT-3'